The following is an entry in ClinVar:

ClinVar aggregate classification (germline): Uncertain significance (1 of 4 stars; one submission).

gnomAD v4.1: 4 of 1,614,076 alleles (0.00025%); highest among the groups gnomAD compares: African/African-American, 0.004%; no homozygotes.

Submission:

Labcorp Genetics (formerly Invitae), Labcorp
Classification: Uncertain significance. Last evaluated: 2024-06-15. Review status: criteria provided, single submitter. Criteria: Invitae Variant Classification Sherloc (09022015). Collection method: clinical testing. Allele origin: germline.
Comment: This sequence change replaces serine, which is neutral and polar, with phenylalanine, which is neutral and non-polar, at codon 843 of the ZNF687 protein (p.Ser843Phe). This variant is present in population databases (no rsID available, gnomAD 0.0009%). This variant has not been reported in the literature in individuals affected with ZNF687-related conditions. An algorithm developed to predict the effect of missense changes on protein structure and function (PolyPhen-2) suggests that this variant is likely to be tolerated. In summary, the available evidence is currently insufficient to determine the role of this variant in disease. Therefore, it has been classified as a Variant of Uncertain Significance.

NM_020832.3(ZNF687):c.2528C>T (p.Ser843Phe)

Gene: ZNF687 (zinc finger protein 687; plus strand). Cytogenetic location: 1q21.3.
Variant type: single nucleotide variant.
Coding change: c.2528C>T on transcript NM_020832.3 (MANE Select); coding-DNA position 2528, C replaced by T.
Protein change: p.Ser843Phe; replaces serine 843 with phenylalanine.
Molecular consequence: missense variant.
Genome position (GRCh38, 1-based): chr1:151,289,434, C>T. VCF-style: chr1-151289434-C-T. GRCh37 (hg19) VCF-style: chr1-151261910-C-T.
Other names: c.2528C>T, p.Ser843Phe (NM_001304763.2, NM_001304764.2); short protein forms S843F.
Identifiers: ClinVar variation 3648362 (VCV003648362.2).